The following is an entry in ClinVar:

NC_000011.10:g.17608301_17608318del

Gene: OTOG (otogelin; plus strand). Cytogenetic location: 11p15.1.
Variant type: Deletion.
Genome position: GRCh38 VCF-style: chr11-17608296-ATGCCAAGCCCTCGGGGGC-A. GRCh37 (hg19) VCF-style: chr11-17629843-ATGCCAAGCCCTCGGGGGC-A.
Other names: c.4198_4215del, p.Lys1400_Ala1405del (NM_001277269.2); c.4162_4179del, p.Lys1388_Ala1393del (NM_001292063.2).
Identifiers: ClinVar variation 229093 (VCV000229093.5), dbSNP rs876657940, ClinGen allele CA10576866.

ClinVar aggregate classification (germline): Uncertain significance (1 of 4 stars; one submission).

Submission:

Laboratory for Molecular Medicine, Mass General Brigham Personalized Medicine
Classification: Uncertain significance. Last evaluated: 2016-01-03. Review status: criteria provided, single submitter. Criteria: LMM Criteria. Collection method: clinical testing. Allele origin: germline. Observed: 1 variant allele.
Comment: The p.Lys1400_Ala1405del in OTOG has not been previously reported in individuals with hearing loss and is absent from large population studies, though the abili ty of these studies to accurately detect indels may be limited. This variant is a deletion of 6 amino acids at position 1400 and is not predicted to alter the p rotein reading-frame. It is unclear if this in-frame deletion will impact the no rmal function of the OTOG protein. In summary, the clinical significance of the p.Lys1400_Ala1405del variant is uncertain.